The following is an entry in ClinVar:

NM_016292.3(TRAP1):c.956C>T (p.Ala319Val)

Gene: TRAP1 (TNF receptor associated protein 1; minus strand). Cytogenetic location: 16p13.3.
Variant type: single nucleotide variant.
Coding change: c.956C>T on transcript NM_016292.3 (MANE Select); coding-DNA position 956, C replaced by T.
Protein change: p.Ala319Val; replaces alanine 319 with valine.
Molecular consequence: missense variant.
Genome position (GRCh38, 1-based): chr16:3,674,427, G>A on the plus strand (C>T on the coding strand, the complement: TRAP1 is on the minus strand). VCF-style: chr16-3674427-G-A. GRCh37 (hg19) VCF-style: chr16-3724428-G-A.
Other names: c.797C>T, p.Ala266Val (NM_001272049.2); short protein forms A319V, A266V.
Identifiers: ClinVar variation 429294 (VCV000429294.10), dbSNP rs200973932, ClinGen allele CA7868372.

ClinVar aggregate classification (germline): Uncertain significance. Review status: criteria provided, multiple submitters, no conflicts (2 of 4 stars). 4 submissions from 4 submitters: Uncertain significance (4). Last evaluated 2025-12-19.

Allele frequency attached by ClinVar (database versions not stated): gnomAD 0.00004; TOPMed 0.00004; gnomAD exomes 0.00005 and 0.00009; ExAC 0.00011.
gnomAD v4.1: 78 of 1,613,976 alleles (0.0048%); highest among the groups gnomAD compares: Middle Eastern, 0.082%; no homozygotes.

Submissions (4):

Labcorp Genetics (formerly Invitae), Labcorp
Classification: Uncertain significance. Last evaluated: 2025-12-19. Review status: criteria provided, single submitter. Criteria: Invitae Variant Classification Sherloc (09022015). Collection method: clinical testing. Allele origin: germline.
Comment: This sequence change replaces alanine, which is neutral and non-polar, with valine, which is neutral and non-polar, at codon 319 of the TRAP1 protein (p.Ala319Val). This variant is present in population databases (rs200973932, gnomAD 0.01%). This missense change has been observed in individual(s) with a developmental disorder (PMID: 33057194). ClinVar contains an entry for this variant (Variation ID: 429294). Invitae Evidence Modeling of protein sequence and biophysical properties (such as structural, functional, and spatial information, amino acid conservation, physicochemical variation, residue mobility, and thermodynamic stability) indicates that this missense variant is not expected to disrupt TRAP1 protein function with a negative predictive value of 80%. In summary, the available evidence is currently insufficient to determine the role of this variant in disease. Therefore, it has been classified as a Variant of Uncertain Significance.

Ambry Genetics
Classification: Uncertain significance. Last evaluated: 2023-02-16. Review status: criteria provided, single submitter. Criteria: Ambry Variant Classification Scheme 2023. Collection method: clinical testing. Allele origin: germline.

GeneDx
Classification: Uncertain significance. Last evaluated: 2019-07-29. Review status: criteria provided, single submitter. Criteria: GeneDx Variant Classification Process June 2021. Collection method: clinical testing. Allele origin: germline. Affected: yes.
Comment: In silico analysis, which includes protein predictors and evolutionary conservation, supports a deleterious effect; Has not been previously published as pathogenic or benign to our knowledge

Breakthrough Genomics
Classification: Uncertain significance. Review status: criteria provided, single submitter. Criteria: ACMG Guidelines, 2015. Collection method: not provided. Allele origin: germline. Inheritance: Unknown mechanism. Affected: yes.

Literature cited by the submitters: PubMed 33057194 (cited by Labcorp Genetics (formerly Invitae), Labcorp).